The following is an entry in ClinVar:

ClinVar aggregate classification (germline): Uncertain significance (1 of 4 stars; one submission).

Submission:

Ambry Genetics
Classification: Uncertain significance. Last evaluated: 2026-06-30. Review status: criteria provided, single submitter. Criteria: Ambry Variant Classification Scheme 2023. Collection method: clinical testing. Allele origin: germline.
Comment: The c.3642A>T variant (also known as p.A1214A), located in coding exon 5 of the MLH3 gene, results from an A to T substitution at nucleotide position 3642. This nucleotide substitution does not change the alanine at codon 1214. This nucleotide position is highly conserved in available vertebrate species. In silico splice site analysis predicts that this alteration may weaken the native splice donor site. Based on the available evidence, the clinical significance of this variant remains unclear.

NM_001040108.2(MLH3):c.3642A>T (p.Ala1214=)

Gene: MLH3 (mutL homolog 3; minus strand). Cytogenetic location: 14q24.3.
Variant type: single nucleotide variant.
Coding change: c.3642A>T on transcript NM_001040108.2 (MANE Select); coding-DNA position 3642, A replaced by T.
Protein change: p.Ala1214=; no amino-acid change (alanine 1214 retained).
Molecular consequence: synonymous variant.
Genome position (GRCh38, 1-based): chr14:75,038,341, T>A on the plus strand (A>T on the coding strand, the complement: MLH3 is on the minus strand). VCF-style: chr14-75038341-T-A. GRCh37 (hg19) VCF-style: chr14-75505044-T-A.
Other names: c.3642A>T, p.Ala1214= (NM_014381.3).
Identifiers: ClinVar variation 5024561 (VCV005024561.1).